The following is an entry in ClinVar:

ClinVar aggregate classification (germline): Uncertain significance (0 of 4 stars; one submission).

Conditions:
KIF4A-related disorder. Also called: KIF4A-related condition.

Allele frequency attached by ClinVar (database versions not stated): gnomAD exomes 0.00001; ExAC 0.00002.
gnomAD v4.1: 8 of 1,210,500 alleles (0.00066%); highest among the groups gnomAD compares: Non-Finnish European, 0.00089%; no homozygotes.

Submission:

PreventionGenetics, part of Exact Sciences
Classification: Uncertain significance for KIF4A-related condition. Last evaluated: 2023-10-26. Review status: no assertion criteria provided. Collection method: clinical testing. Allele origin: germline.
Comment: The KIF4A c.3644C>A variant is predicted to result in the amino acid substitution p.Ala1215Asp. To our knowledge, this variant has not been reported in the literature. This variant is reported in 0.0025% of alleles in individuals of European (Non-Finnish) descent in gnomAD. At this time, the clinical significance of this variant is uncertain due to the absence of conclusive functional and genetic evidence.

NM_012310.5(KIF4A):c.3644C>A (p.Ala1215Asp)

Gene: KIF4A (kinesin family member 4A; plus strand). Cytogenetic location: Xq13.1.
Variant type: single nucleotide variant.
Coding change: c.3644C>A on transcript NM_012310.5 (MANE Select); coding-DNA position 3644, C replaced by A.
Protein change: p.Ala1215Asp; replaces alanine 1215 with aspartic acid.
Molecular consequence: missense variant.
Genome position (GRCh38, 1-based): chrX:70,420,210, C>A. VCF-style: chrX-70420210-C-A. GRCh37 (hg19) VCF-style: chrX-69640060-C-A.
Other names: short protein forms A1215D.
Identifiers: ClinVar variation 3030459 (VCV003030459.2), dbSNP rs754571745, ClinGen allele CA10441515.